The following is an entry in ClinVar:

NM_007294.4(BRCA1):c.3841C>G (p.Gln1281Glu)

Genes: BRCA1 (BRCA1 DNA repair associated; minus strand), LOC126862571 (BRD4-independent group 4 enhancer GRCh37_chr17:41243136-41244335; plus strand). Cytogenetic location: 17q21.31.
Variant type: single nucleotide variant.
Coding change: c.3841C>G on transcript NM_007294.4 (MANE Select); coding-DNA position 3841, C replaced by G.
Protein change: p.Gln1281Glu; replaces glutamine 1281 with glutamic acid.
Molecular consequence: missense variant. On other transcripts: intron variant (135).
Genome position (GRCh38, 1-based): chr17:43,091,690, G>C on the plus strand (C>G on the coding strand, the complement: BRCA1 is on the minus strand). VCF-style: chr17-43091690-G-C. GRCh37 (hg19) VCF-style: chr17-41243707-G-C.
Other names: c.3700C>G, p.Gln1234Glu (NM_001407851.1, NM_001407852.1, NM_001407692.1 and 29 more transcripts); c.3628C>G, p.Gln1210Glu (NM_001407853.1, NM_001407571.1, NM_001407894.1 and 9 more transcripts); c.3637C>G, p.Gln1213Glu (NM_001407874.1, NM_001407875.1); c.3631C>G, p.Gln1211Glu (NM_001407879.1, NM_001407881.1, NM_001407882.1 and 13 more transcripts); c.3841C>G, p.Gln1281Glu (NM_001407854.1, NM_001407858.1, NM_001407859.1 and 30 more transcripts); c.3838C>G, p.Gln1280Glu (NM_001407860.1, NM_001407861.1, NM_001407587.1 and 22 more transcripts); c.3640C>G, p.Gln1214Glu (NM_001407862.1); c.3718C>G, p.Gln1240Glu (NM_001407863.1, NM_001407648.1, NM_001407664.1 and 19 more transcripts); and 41 more; short protein forms Q1281E, Q1234E, Q1210E, Q1211E, Q1233E, Q1278E, Q1154E, Q1192E.
Identifiers: ClinVar variation 421031 (VCV000421031.7), dbSNP rs80356866, ClinGen allele CA10594284.

ClinVar aggregate classification (germline): Conflicting classifications of pathogenicity. Review status: criteria provided, conflicting classifications (1 of 4 stars). 3 submissions from 3 submitters: Uncertain significance (2); Likely benign (1). Last evaluated 2023-03-23.

Conditions:
Hereditary cancer-predisposing syndrome. Also called: Hereditary neoplastic syndrome; Tumor predisposition; Neoplastic Syndromes, Hereditary; Hereditary Cancer Syndrome. Identifiers: Orphanet 140162, MedGen C0027672, MeSH D009386, MONDO:0015356.

Submissions (3):

University of Washington Department of Laboratory Medicine, University of Washington
Classification: Likely benign for Hereditary cancer-predisposing syndrome. Last evaluated: 2023-03-23. Review status: criteria provided, single submitter. Criteria: Dines et al. (Genet Med. 2020). Collection method: curation. Allele origin: germline.
Comment: Missense variant in a coldspot region where missense variants are very unlikely to be pathogenic (PMID:31911673).

BRCA1 coldspot (exon 11 using historical exon numbering). Reclassification based on statistical prior probability

Ambry Genetics
Classification: Uncertain significance for Hereditary cancer-predisposing syndrome. Last evaluated: 2020-07-30. Review status: criteria provided, single submitter. Criteria: Ambry Variant Classification Scheme 2023. Collection method: clinical testing. Allele origin: germline.
Comment: The p.Q1281E variant (also known as c.3841C>G), located in coding exon 9 of the BRCA1 gene, results from a C to G substitution at nucleotide position 3841. The glutamine at codon 1281 is replaced by glutamic acid, an amino acid with highly similar properties. This amino acid position is not well conserved in available vertebrate species. In addition, the in silico prediction for this alteration is inconclusive. Since supporting evidence is limited at this time, the clinical significance of this alteration remains unclear.

GeneDx
Classification: Uncertain significance. Last evaluated: 2018-03-16. Review status: criteria provided, single submitter. Criteria: GeneDx Variant Classification (06012015). Collection method: clinical testing. Allele origin: germline. Affected: yes.
Comment: This variant is denoted BRCA1 c.3841C>G at the cDNA level, p.Gln1281Glu (Q1281E) at the protein level, and results in the change of a Glutamine to a Glutamic Acid (CAG>GAG). Using alternate nomenclature, this variant would be defined as BRCA1 3960C>G. This variant has not, to our knowledge, been published in the literature as pathogenic or benign. BRCA1 Gln1281Glu was not observed in large population cohorts (Lek 2016). This variant is located in SCD domain and in the binding domain of ATM, CHK2 and CDK2 (Narod 2004, Clark 2012). In silico analysis, which includes protein predictors and evolutionary conservation, supports that this variant does not alter protein structure/function. Based on currently available evidence, it is unclear whether BRCA1 Gln1281Glu is a pathogenic or benign variant. We consider it to be a variant of uncertain significance.